The following is an entry in ClinVar:

ClinVar aggregate classification (germline): Uncertain significance (1 of 4 stars; one submission).

gnomAD v4.1: 2 of 1,612,554 alleles (0.00012%); highest among the groups gnomAD compares: African/African-American, 0.0027%; no homozygotes.

Submission:

Labcorp Genetics (formerly Invitae), Labcorp
Classification: Uncertain significance. Last evaluated: 2022-07-06. Review status: criteria provided, single submitter. Criteria: Invitae Variant Classification Sherloc (09022015). Collection method: clinical testing. Allele origin: germline.
Comment: This sequence change replaces histidine, which is basic and polar, with glutamine, which is neutral and polar, at codon 738 of the C3 protein (p.His738Gln). This variant is present in population databases (rs765224315, gnomAD 0.007%). This variant has not been reported in the literature in individuals affected with C3-related conditions. ClinVar contains an entry for this variant (Variation ID: 1515267). Algorithms developed to predict the effect of missense changes on protein structure and function (SIFT, PolyPhen-2, Align-GVGD) all suggest that this variant is likely to be tolerated. In summary, the available evidence is currently insufficient to determine the role of this variant in disease. Therefore, it has been classified as a Variant of Uncertain Significance.

NM_000064.4(C3):c.2214C>A (p.His738Gln)

Gene: C3 (complement C3; minus strand). Cytogenetic location: 19p13.3.
Variant type: single nucleotide variant.
Coding change: c.2214C>A on transcript NM_000064.4 (MANE Select); coding-DNA position 2214, C replaced by A.
Protein change: p.His738Gln; replaces histidine 738 with glutamine.
Molecular consequence: missense variant.
Genome position (GRCh38, 1-based): chr19:6,707,107, G>T on the plus strand (C>A on the coding strand, the complement: C3 is on the minus strand). VCF-style: chr19-6707107-G-T. GRCh37 (hg19) VCF-style: chr19-6707118-G-T.
Other names: short protein forms H738Q.
Identifiers: ClinVar variation 1515267 (VCV001515267.8), dbSNP rs765224315, ClinGen allele CA9129165.